The following is an entry in ClinVar:

ClinVar aggregate classification (germline): Uncertain significance (1 of 4 stars; one submission).

Submission:

Labcorp Genetics (formerly Invitae), Labcorp
Classification: Uncertain significance. Last evaluated: 2022-06-26. Review status: criteria provided, single submitter. Criteria: Invitae Variant Classification Sherloc (09022015). Collection method: clinical testing. Allele origin: germline.
Comment: This sequence change replaces valine, which is neutral and non-polar, with isoleucine, which is neutral and non-polar, at codon 877 of the POLE protein (p.Val877Ile). This variant is not present in population databases (gnomAD no frequency). In summary, the available evidence is currently insufficient to determine the role of this variant in disease. Therefore, it has been classified as a Variant of Uncertain Significance. Algorithms developed to predict the effect of missense changes on protein structure and function (SIFT, PolyPhen-2, Align-GVGD) all suggest that this variant is likely to be tolerated. This variant has not been reported in the literature in individuals affected with POLE-related conditions.

NM_006231.4(POLE):c.2629G>A (p.Val877Ile)

Gene: POLE (DNA polymerase epsilon, catalytic subunit; minus strand). Cytogenetic location: 12q24.33.
Variant type: single nucleotide variant.
Coding change: c.2629G>A on transcript NM_006231.4 (MANE Select); coding-DNA position 2629, G replaced by A.
Protein change: p.Val877Ile; replaces valine 877 with isoleucine.
Molecular consequence: missense variant.
Genome position (GRCh38, 1-based): chr12:132,664,081, C>T on the plus strand (G>A on the coding strand, the complement: POLE is on the minus strand). VCF-style: chr12-132664081-C-T. GRCh37 (hg19) VCF-style: chr12-133240667-C-T.
Other names: short protein forms V877I.
Identifiers: ClinVar variation 2010735 (VCV002010735.4), dbSNP rs2135956872, ClinGen allele CA387395533.
Genomic context (GRCh38, chr12:132,664,081, plus strand): 5'-ACATGGCGCCTGGGTAGGAGATGGTCACTTTGGGCTTCTTCACATTGGTCGTCTTGAAGA[C>T]AAAATTTTCTGGGAAGCTGTTGGGCAGGACGCACCATATACCATCTGTGTCCAGCTCTAA-3'
Protein context (NP_006222.2, residues 867-887): VLPNSFPENF[Val877Ile]FKTTNVKKPK